The following is an entry in ClinVar:

NM_003482.4(KMT2D):c.12889T>C (p.Ser4297Pro)

Gene: KMT2D (lysine methyltransferase 2D; minus strand). Cytogenetic location: 12q13.12.
Variant type: single nucleotide variant.
Coding change: c.12889T>C on transcript NM_003482.4 (MANE Select); coding-DNA position 12889, T replaced by C.
Protein change: p.Ser4297Pro; replaces serine 4297 with proline.
Molecular consequence: missense variant.
Genome position (GRCh38, 1-based): chr12:49,031,816, A>G on the plus strand (T>C on the coding strand, the complement: KMT2D is on the minus strand). VCF-style: chr12-49031816-A-G. GRCh37 (hg19) VCF-style: chr12-49425599-A-G.
Other names: short protein forms S4297P.
Identifiers: ClinVar variation 812061 (VCV000812061.44), dbSNP rs370243498, ClinGen allele CA6546110.

ClinVar aggregate classification (germline): Conflicting classifications of pathogenicity. Review status: criteria provided, conflicting classifications (1 of 4 stars). 7 submissions from 7 submitters: Uncertain significance (1); Benign (1); Likely benign (4). 1 of the submissions does not count toward it. Last evaluated 2026-06-01.

Conditions:
Inborn genetic diseases. Identifiers: MedGen C0950123, MeSH D030342.
KMT2D-related disorder. Also called: KMT2D-Related Disorders.
Kabuki syndrome. Also called: NIIKAWA-KUROKI SYNDROME; Kabuki make-up syndrome. Identifiers: Orphanet 2322, MedGen C0796004, MONDO:0016512.
Kabuki syndrome 1 (KABUK1). Also called: KMT2D-Related Kabuki Syndrome. Identifiers: Orphanet 2322, MedGen CN030661, MONDO:0007843, OMIM 147920.

Allele frequency attached by ClinVar (database versions not stated): 1000 Genomes Project 30x 0.00016; gnomAD 0.00028 and 0.00031; TOPMed 0.00030; ESP Exome Variant Server 0.00016; ExAC 0.00021.
gnomAD v4.1: 919 of 1,574,014 alleles (0.058%); highest among the groups gnomAD compares: Non-Finnish European, 0.074%; 1 homozygote.

Submissions (7):

CeGaT Center for Human Genetics Tuebingen
Classification: Likely benign. Last evaluated: 2026-06-01. Review status: criteria provided, single submitter. Criteria: CeGaT Center For Human Genetics Tuebingen Variant Classification Criteria Version 2. Collection method: clinical testing. Allele origin: germline. Affected: yes. Observed: 2 variant alleles.
Comment: KMT2D: BS2

Labcorp Genetics (formerly Invitae), Labcorp
Classification: Likely benign for Kabuki syndrome. Last evaluated: 2026-01-24. Review status: criteria provided, single submitter. Criteria: Invitae Variant Classification Sherloc (09022015). Collection method: clinical testing. Allele origin: germline.

Blueprint Genetics
Classification: Likely benign. Last evaluated: 2024-04-12. Review status: criteria provided, single submitter. Criteria: ACMG Guidelines, 2015. Collection method: clinical testing. Allele origin: germline.

Ambry Genetics
Classification: Likely benign for Inborn genetic diseases. Last evaluated: 2022-07-05. Review status: criteria provided, single submitter. Criteria: Ambry Variant Classification Scheme 2023. Collection method: clinical testing. Allele origin: germline.

GeneDx
Classification: Benign. Last evaluated: 2020-06-10. Review status: criteria provided, single submitter. Criteria: GeneDx Variant Classification Process June 2021. Collection method: clinical testing. Allele origin: germline. Affected: yes.
Comment: This variant is associated with the following publications: (PMID: 30459467, 28933623)

ARUP Laboratories, Molecular Genetics and Genomics, ARUP Laboratories
Classification: Uncertain significance for Kabuki syndrome 1. Last evaluated: 2019-06-27. Review status: criteria provided, single submitter. Criteria: ARUP Molecular Germline Variant Investigation Process. Collection method: clinical testing. Allele origin: germline.
Comment: The KMT2D c.12889T>C; p.Ser4297Pro variant (rs370243498) is reported in the literature in at least one individual with suspected Kabuki syndrome (Aref-Eshghi 2018). This variant is found in the general population with an overall allele frequency of 0.021% (52/246492 alleles) in the Genome Aggregation Database. The serine at codon 4297 is weakly conserved, and computational analyses (SIFT, PolyPhen-2) predict that this variant is tolerated. However, given the lack of clinical and functional data, the significance of the p.Ser4297Pro variant is uncertain at this time. References: Aref-Eshghi E et al. Genomic DNA Methylation Signatures Enable Concurrent Diagnosis and Clinical Genetic Variant Classification in Neurodevelopmental Syndromes. Am J Hum Genet. 2018 Jan 4;102(1):156-174.

PreventionGenetics, part of Exact Sciences
Classification: Likely benign for KMT2D-related condition. Last evaluated: 2023-06-23. Review status: no assertion criteria provided. Collection method: clinical testing. Allele origin: germline. Not counted in ClinVar's aggregate classification.
Comment: This variant is classified as likely benign based on ACMG/AMP sequence variant interpretation guidelines (Richards et al. 2015 PMID: 25741868, with internal and published modifications).